The following is an entry in ClinVar:

ClinVar aggregate classification (germline): Conflicting classifications of pathogenicity. Review status: criteria provided, conflicting classifications (1 of 4 stars). 6 submissions from 6 submitters: Uncertain significance (4); Likely benign (2). Last evaluated 2025-10-16.

Conditions:
Familial sleep-related hypermotor epilepsy. Also called: Autosomal Dominant Sleep-Related Hypermotor (Hyperkinetic) Epilepsy. Identifiers: Orphanet 98784, MedGen C3696898, MONDO:0000030.
Inborn genetic diseases. Identifiers: MedGen C0950123, MeSH D030342.
Autosomal dominant nocturnal frontal lobe epilepsy 1. Also called: EPILEPSY, NOCTURNAL FRONTAL LOBE, TYPE 1; CHRNA4-Related Nocturnal Frontal Lobe Epilepsy, Autosomal Dominant. Identifiers: Orphanet 98784, MedGen C1838049, MONDO:0010899, OMIM 600513.

Submissions (6):

Labcorp Genetics (formerly Invitae), Labcorp
Classification: Likely benign. Last evaluated: 2025-10-16. Review status: criteria provided, single submitter. Criteria: Invitae Variant Classification Sherloc (09022015). Collection method: clinical testing. Allele origin: germline.

Revvity Omics, Revvity
Classification: Uncertain significance for Autosomal dominant nocturnal frontal lobe epilepsy 1. Last evaluated: 2024-04-24. Review status: criteria provided, single submitter. Criteria: ACMG Guidelines, 2015. Collection method: clinical testing. Allele origin: germline.

GeneDx
Classification: Uncertain significance. Last evaluated: 2022-09-14. Review status: criteria provided, single submitter. Criteria: GeneDx Variant Classification Process June 2021. Collection method: clinical testing. Allele origin: germline. Affected: yes.
Comment: In-frame insertion of 4 amino acids in a non-repeat region; Has not been previously published as pathogenic or benign to our knowledge

CeGaT Center for Human Genetics Tuebingen
Classification: Uncertain significance. Last evaluated: 2019-08-01. Review status: criteria provided, single submitter. Criteria: CeGaT Center For Human Genetics Tuebingen Variant Classification Criteria Version 2. Collection method: clinical testing. Allele origin: germline. Affected: yes. Observed: 1 variant allele.

Mayo Clinic Laboratories, Mayo Clinic
Classification: Uncertain significance. Last evaluated: 2019-07-14. Review status: criteria provided, single submitter. Criteria: ACMG Guidelines, 2015. Collection method: clinical testing. Allele origin: germline. Observed: 1 variant allele.

Ambry Genetics
Classification: Likely benign for Inborn genetic diseases. Last evaluated: 2018-11-12. Review status: criteria provided, single submitter. Criteria: Ambry Variant Classification Scheme 2023. Collection method: clinical testing. Allele origin: germline.

NM_000744.7(CHRNA4):c.38_49dup (p.Pro13_Leu16dup)

Genes: CHRNA4 (cholinergic receptor nicotinic alpha 4 subunit; minus strand), LOC100130587 (uncharacterized LOC100130587; plus strand). Cytogenetic location: 20q13.33.
Variant type: Duplication.
Coding change: c.38_49dup on transcript NM_000744.7 (MANE Select); coding-DNA positions 38 to 49, 12 bases duplicated (CGCCGCTGCTGC).
Protein change: p.Pro13_Leu16dup.
Molecular consequence: inframe insertion. On other transcripts: non-coding transcript variant (1), intron variant (1).
Genome position (GRCh38, 1-based): chr20:63,361,117-63,361,128, GCAGCAGCGGCG duplicated on the plus strand (CGCCGCTGCTGC on the coding strand, the reverse complement: CHRNA4 is on the minus strand); duplicating any 12 consecutive bases within chr20:63,361,117-63,361,136 gives the same sequence; the c. name uses the placement nearest the transcript's 3' end. VCF-style (leftmost placement, unchanged base first): chr20-63361116-A-AGCAGCAGCGGCG. GRCh37 (hg19) VCF-style: chr20-61992468-A-AGCAGCAGCGGCG.
Other names: c.-471+49_-471+60dup (NM_001256573.2); c.38_49dup (NM_000744.5); c.38_49dup12 (NM_000744.6); c.38_49dupCGCCGCTGCTGC (NM_000744.6).
Identifiers: ClinVar variation 420173 (VCV000420173.65), dbSNP rs1064794327, ClinGen allele CA16620958.